The following is an entry in ClinVar:

ClinVar aggregate classification (germline): Benign/Likely benign. Review status: criteria provided, multiple submitters, no conflicts (2 of 4 stars). 4 submissions from 4 submitters: Benign (1); Likely benign (2). 1 of the submissions does not count toward it. Last evaluated 2026-01-31.

Conditions:
ACSF3-related disorder. Also called: ACSF3-related condition.
Combined malonic and methylmalonic acidemia. Identifiers: Orphanet 289504, MedGen C3280314, MONDO:0013661, OMIM 614265.

Allele frequency attached by ClinVar (database versions not stated): gnomAD exomes 0.00048; ExAC 0.00066; 1000 Genomes Project 0.00200; TOPMed 0.00207; 1000 Genomes Project 30x 0.00219; gnomAD 0.00242; ESP Exome Variant Server 0.00246.
gnomAD v4.1: 601 of 1,614,202 alleles (0.037%); highest among the groups gnomAD compares: African/African-American, 0.71%; 4 homozygotes.

Submissions (4):

Labcorp Genetics (formerly Invitae), Labcorp
Classification: Benign for Combined malonic and methylmalonic acidemia. Last evaluated: 2026-01-31. Review status: criteria provided, single submitter. Criteria: Invitae Variant Classification Sherloc (09022015). Collection method: clinical testing. Allele origin: germline.

Blueprint Genetics
Classification: Likely benign. Last evaluated: 2024-09-16. Review status: criteria provided, single submitter. Criteria: ACMG Guidelines, 2015. Collection method: clinical testing. Allele origin: germline.

GeneDx
Classification: Likely benign. Last evaluated: 2021-06-21. Review status: criteria provided, single submitter. Criteria: GeneDx Variant Classification Process June 2021. Collection method: clinical testing. Allele origin: germline. Affected: yes.

PreventionGenetics, part of Exact Sciences
Classification: Likely benign for ACSF3-related condition. Last evaluated: 2024-03-14. Review status: no assertion criteria provided. Collection method: clinical testing. Allele origin: germline. Not counted in ClinVar's aggregate classification.
Comment: This variant is classified as likely benign based on ACMG/AMP sequence variant interpretation guidelines (Richards et al. 2015 PMID: 25741868, with internal and published modifications).

NM_001243279.3(ACSF3):c.1467G>C (p.Val489=)

Gene: ACSF3 (acyl-CoA synthetase family member 3; plus strand). Cytogenetic location: 16q24.3.
Variant type: single nucleotide variant.
Coding change: c.1467G>C on transcript NM_001243279.3 (MANE Select); coding-DNA position 1467, G replaced by C.
Protein change: p.Val489=; no amino-acid change (valine 489 retained).
Molecular consequence: synonymous variant. On other transcripts: non-coding transcript variant (4).
Genome position (GRCh38, 1-based): chr16:89,145,367, G>C. VCF-style: chr16-89145367-G-C. GRCh37 (hg19) VCF-style: chr16-89211775-G-C.
Other names: c.1467G>C, p.Val489= (NM_001127214.4, NM_174917.5); c.672G>C, p.Val224= (NM_001284316.2).
Identifiers: ClinVar variation 383020 (VCV000383020.15), dbSNP rs115776284, ClinGen allele CA8238228.